The following is an entry in ClinVar:

NM_021927.3(GUF1):c.177C>G (p.Asp59Glu)

Gene: GUF1 (GTP binding elongation factor GUF1; plus strand). Cytogenetic location: 4p12.
Variant type: single nucleotide variant.
Coding change: c.177C>G on transcript NM_021927.3 (MANE Select); coding-DNA position 177, C replaced by G.
Protein change: p.Asp59Glu; replaces aspartic acid 59 with glutamic acid.
Molecular consequence: missense variant. On other transcripts: 5 prime UTR variant (1), intron variant (1).
Genome position (GRCh38, 1-based): chr4:44,680,452, C>G. VCF-style: chr4-44680452-C-G. GRCh37 (hg19) VCF-style: chr4-44682469-C-G.
Other names: c.-792C>G (NM_001345867.2); c.177C>G, p.Asp59Glu (NM_001345868.2); c.-695-242C>G (NM_001345869.2); short protein forms D59E.
Identifiers: ClinVar variation 2866176 (VCV002866176.3), dbSNP rs1406957712, ClinGen allele CA356760471.

ClinVar aggregate classification (germline): Uncertain significance (1 of 4 stars; one submission).

Submission:

Labcorp Genetics (formerly Invitae), Labcorp
Classification: Uncertain significance. Last evaluated: 2023-05-20. Review status: criteria provided, single submitter. Criteria: Invitae Variant Classification Sherloc (09022015). Collection method: clinical testing. Allele origin: germline.
Comment: This sequence change replaces aspartic acid, which is acidic and polar, with glutamic acid, which is acidic and polar, at codon 59 of the GUF1 protein (p.Asp59Glu). This variant is not present in population databases (gnomAD no frequency). This variant has not been reported in the literature in individuals affected with GUF1-related conditions. An algorithm developed to predict the effect of missense changes on protein structure and function (PolyPhen-2) suggests that this variant is likely to be disruptive. In summary, the available evidence is currently insufficient to determine the role of this variant in disease. Therefore, it has been classified as a Variant of Uncertain Significance.